The following is an entry in ClinVar:

NM_024537.4(CARS2):c.10A>T (p.Thr4Ser)

Genes: CARS2 (cysteinyl-tRNA synthetase 2, mitochondrial; minus strand), LOC130010127 (ATAC-STARR-seq lymphoblastoid silent region 5509; plus strand). Cytogenetic location: 13q34.
Variant type: single nucleotide variant.
Coding change: c.10A>T on transcript NM_024537.4 (MANE Select); coding-DNA position 10, A replaced by T.
Protein change: p.Thr4Ser; replaces threonine 4 with serine.
Molecular consequence: missense variant. On other transcripts: non-coding transcript variant (1), intron variant (1).
Genome position (GRCh38, 1-based): chr13:110,706,084, T>A on the plus strand (A>T on the coding strand, the complement: CARS2 is on the minus strand). VCF-style: chr13-110706084-T-A. GRCh37 (hg19) VCF-style: chr13-111358431-T-A.
Other names: c.10A>T, p.Thr4Ser (NM_001352253.3); c.-776+287A>T (NM_001352252.2); short protein forms T4S.
Identifiers: ClinVar variation 659918 (VCV000659918.4), dbSNP rs1037184355, ClinGen allele CA388743568.

ClinVar aggregate classification (germline): Uncertain significance (1 of 4 stars; one submission).

Conditions:
Combined oxidative phosphorylation defect type 27. Also called: Combined oxidative phosphorylation deficiency 27. Identifiers: Orphanet 477774, MedGen C5567608, MONDO:0014728, OMIM 616672.

Allele frequency attached by ClinVar (database versions not stated): TOPMed 0.00002; gnomAD 0.00003.
gnomAD v4.1: 5 of 1,320,456 alleles (0.00038%); highest among the groups gnomAD compares: African/African-American, 0.0077%; no homozygotes.

Submission:

Labcorp Genetics (formerly Invitae), Labcorp
Classification: Uncertain significance for Combined oxidative phosphorylation defect type 27. Last evaluated: 2022-08-19. Review status: criteria provided, single submitter. Criteria: Invitae Variant Classification Sherloc (09022015). Collection method: clinical testing. Allele origin: germline.
Comment: This sequence change replaces threonine, which is neutral and polar, with serine, which is neutral and polar, at codon 4 of the CARS2 protein (p.Thr4Ser). This variant is present in population databases (no rsID available, gnomAD 0.01%). This variant has not been reported in the literature in individuals affected with CARS2-related conditions. ClinVar contains an entry for this variant (Variation ID: 659918). Algorithms developed to predict the effect of missense changes on protein structure and function are either unavailable or do not agree on the potential impact of this missense change (SIFT: "Tolerated"; PolyPhen-2: "Not Available"; Align-GVGD: "Class C0"). Algorithms developed to predict the effect of sequence changes on RNA splicing suggest that this variant may create or strengthen a splice site. In summary, the available evidence is currently insufficient to determine the role of this variant in disease. Therefore, it has been classified as a Variant of Uncertain Significance.